The following is an entry in ClinVar:

ClinVar aggregate classification (germline): Pathogenic (1 of 4 stars; one submission).

Allele frequency attached by ClinVar (database versions not stated): gnomAD exomes below 0.00001; gnomAD 0.00001; TOPMed 0.00002.

Submission:

Labcorp Genetics (formerly Invitae), Labcorp
Classification: Pathogenic. Last evaluated: 2023-04-19. Review status: criteria provided, single submitter. Criteria: Invitae Variant Classification Sherloc (09022015). Collection method: clinical testing. Allele origin: germline.
Comment: For these reasons, this variant has been classified as Pathogenic. This sequence change creates a premature translational stop signal (p.Pro108Argfs*74) in the ADAMTSL4 gene. It is expected to result in an absent or disrupted protein product. Loss-of-function variants in ADAMTSL4 are known to be pathogenic (PMID: 20564469, 28642162). This variant is present in population databases (no rsID available, gnomAD 0.007%). This variant has not been reported in the literature in individuals affected with ADAMTSL4-related conditions. ClinVar contains an entry for this variant (Variation ID: 2000001).

Literature cited by the submitters: PubMed 20564469; PubMed 28642162.

NM_019032.6(ADAMTSL4):c.318_319del (p.Pro108fs)

Genes: ADAMTSL4 (ADAMTS like 4; plus strand), ADAMTSL4-AS2 (ADAMTSL4 antisense RNA 2; minus strand). Cytogenetic location: 1q21.2.
Variant type: Deletion.
Coding change: c.318_319del on transcript NM_019032.6 (MANE Select); coding-DNA positions 318 to 319, 2 bases deleted (TT; older notation c.318_319delTT).
Protein change: p.Pro108fs; shifts the reading frame from proline 108.
Molecular consequence: frameshift variant.
Genome position (GRCh38, 1-based): chr1:150,553,137-150,553,138, TT deleted. VCF-style (leftmost placement, unchanged base first): chr1-150553136-CTT-C. GRCh37 (hg19) VCF-style: chr1-150525612-CTT-C.
Other names: c.318_319del, p.Pro108fs (NM_001288607.2, NM_001288608.2, NM_001378596.1 and 1 more transcripts); short protein forms P108fs.
Identifiers: ClinVar variation 2000001 (VCV002000001.4), dbSNP rs1316082064, ClinGen allele CA526260745.